The following is an entry in ClinVar:

NM_015474.4(SAMHD1):c.477_478dup (p.Ala160fs)

Gene: SAMHD1 (SAM and HD domain containing deoxynucleoside triphosphate triphosphohydrolase 1; minus strand). Cytogenetic location: 20q11.23.
Variant type: Duplication.
Coding change: c.477_478dup on transcript NM_015474.4 (MANE Select); coding-DNA positions 477 to 478, 2 bases duplicated (AG; older notation c.477_478dupAG).
Protein change: p.Ala160fs; shifts the reading frame from alanine 160.
Molecular consequence: frameshift variant.
Genome position (GRCh38, 1-based): chr20:36,935,060-36,935,061, CT duplicated on the plus strand (AG on the coding strand, the reverse complement: SAMHD1 is on the minus strand); duplicating any 2 consecutive bases within chr20:36,935,060-36,935,062 gives the same sequence; the c. name uses the placement nearest the transcript's 3' end. VCF-style (leftmost placement, unchanged base first): chr20-36935059-G-GCT. GRCh37 (hg19) VCF-style: chr20-35563462-G-GCT.
Other names: c.477_478dup, p.Ala160fs (NM_001363729.2, NM_001363733.2); short protein forms A160fs.
Identifiers: ClinVar variation 2846065 (VCV002846065.3), dbSNP rs2515264064, ClinGen allele CA2739277163.

ClinVar aggregate classification (germline): Pathogenic (1 of 4 stars; one submission).

Conditions:
Aicardi-Goutieres syndrome 5. Identifiers: Orphanet 51, MedGen C2749659, MONDO:0013059, OMIM 612952.

Submission:

Labcorp Genetics (formerly Invitae), Labcorp
Classification: Pathogenic for Aicardi-Goutieres syndrome 5. Last evaluated: 2023-03-15. Review status: criteria provided, single submitter. Criteria: Invitae Variant Classification Sherloc (09022015). Collection method: clinical testing. Allele origin: germline.
Comment: This sequence change creates a premature translational stop signal (p.Ala160Glufs*11) in the SAMHD1 gene. It is expected to result in an absent or disrupted protein product. Loss-of-function variants in SAMHD1 are known to be pathogenic (PMID: 19525956, 22461318). This variant has not been reported in the literature in individuals affected with SAMHD1-related conditions. This variant is not present in population databases (gnomAD no frequency). For these reasons, this variant has been classified as Pathogenic.

Literature cited by the submitters: PubMed 19525956; PubMed 22461318.